The following is an entry in ClinVar:

NM_004963.4(GUCY2C):c.2318G>A (p.Arg773Gln)

Gene: GUCY2C (guanylate cyclase 2C; minus strand). Cytogenetic location: 12p12.3.
Variant type: single nucleotide variant.
Coding change: c.2318G>A on transcript NM_004963.4 (MANE Select); coding-DNA position 2318, G replaced by A.
Protein change: p.Arg773Gln; replaces arginine 773 with glutamine.
Molecular consequence: missense variant.
Genome position (GRCh38, 1-based): chr12:14,625,847, C>T on the plus strand (G>A on the coding strand, the complement: GUCY2C is on the minus strand). VCF-style: chr12-14625847-C-T. GRCh37 (hg19) VCF-style: chr12-14778781-C-T.
Other names: short protein forms R773Q.
Identifiers: ClinVar variation 376780 (VCV000376780.7), dbSNP rs1057520052, ClinGen allele CA16603164.

ClinVar aggregate classification (germline): Uncertain significance. Review status: criteria provided, multiple submitters, no conflicts (2 of 4 stars). 2 submissions from 2 submitters: Uncertain significance (2). Last evaluated 2025-06-12.

gnomAD v4.1: 1 of 1,613,638 alleles (0.000062%); highest among the groups gnomAD compares: Non-Finnish European, 0.000085%; no homozygotes.

Submissions (2):

Labcorp Genetics (formerly Invitae), Labcorp
Classification: Uncertain significance. Last evaluated: 2025-06-12. Review status: criteria provided, single submitter. Criteria: Invitae Variant Classification Sherloc (09022015). Collection method: clinical testing. Allele origin: germline.
Comment: This sequence change replaces arginine, which is basic and polar, with glutamine, which is neutral and polar, at codon 773 of the GUCY2C protein (p.Arg773Gln). This variant is not present in population databases (gnomAD no frequency). This variant has not been reported in the literature in individuals affected with GUCY2C-related conditions. ClinVar contains an entry for this variant (Variation ID: 376780). Invitae Evidence Modeling of protein sequence and biophysical properties (such as structural, functional, and spatial information, amino acid conservation, physicochemical variation, residue mobility, and thermodynamic stability) indicates that this missense variant is not expected to disrupt GUCY2C protein function with a negative predictive value of 80%. In summary, the available evidence is currently insufficient to determine the role of this variant in disease. Therefore, it has been classified as a Variant of Uncertain Significance.

Center for Pediatric Genomic Medicine, Children's Mercy Hospital and Clinics
Classification: Uncertain significance. Last evaluated: 2016-10-10. Review status: criteria provided, single submitter. Criteria: ACMG Guidelines, 2015. Collection method: clinical testing. Allele origin: germline.
ClinVar note: Converted during submission from Uncertain Significance to Uncertain significance.